The following is an entry in ClinVar:

NM_015443.4(KANSL1):c.-89-23T>C

Gene: KANSL1 (KAT8 regulatory NSL complex subunit 1). Cytogenetic location: 17q21.31.
Variant type: single nucleotide variant.
Coding change: c.-89-23T>C on transcript NM_015443.4 (MANE Select); 23 bases into the intron before 89 bases upstream of the start codon, T replaced by C.
Molecular consequence: intron variant.
Genome position (GRCh38, 1-based): chr17:46,172,255, A>G on the plus strand (T>C on the coding strand, the complement: KANSL1 is on the minus strand). VCF-style: chr17-46172255-A-G. GRCh37 (hg19) VCF-style: chr17-44249621-A-G.
Other names: c.-89-23T>C (NM_001193465.2, NM_001379198.1, NM_001193466.2).
Identifiers: ClinVar variation 670656 (VCV000670656.2), dbSNP rs2696662, ClinGen allele CA291115410.

ClinVar aggregate classification (germline): Benign. Review status: criteria provided, multiple submitters, no conflicts (2 of 4 stars). 2 submissions from 2 submitters: Benign (2). Last evaluated 2018-06-14.

Allele frequency attached by ClinVar (database versions not stated): 1000 Genomes Project 30x 0.08588; 1000 Genomes Project 0.08666; gnomAD 0.14265 and 0.14571; TOPMed 0.14931; gnomAD exomes 0.23106.
gnomAD v4.1: 225,471 of 1,037,974 alleles (22%); highest among the groups gnomAD compares: Non-Finnish European, 26%; 27,645 homozygotes.

Submissions (2):

GeneDx
Classification: Benign. Last evaluated: 2018-06-14. Review status: criteria provided, single submitter. Criteria: GeneDx Variant Classification (06012015). Collection method: clinical testing. Allele origin: germline. Affected: yes.
Comment: This variant is considered likely benign or benign based on one or more of the following criteria: it is a conservative change, it occurs at a poorly conserved position in the protein, it is predicted to be benign by multiple in silico algorithms, and/or has population frequency not consistent with disease.

Breakthrough Genomics
Classification: Benign. Review status: criteria provided, single submitter. Criteria: ACMG Guidelines, 2015. Collection method: not provided. Allele origin: germline. Inheritance: Autosomal dominant inheritance. Affected: yes.